The following is an entry in ClinVar:

NM_144997.7(FLCN):c.1197C>T (p.Cys399=)

Gene: FLCN (folliculin; minus strand). Cytogenetic location: 17p11.2.
Variant type: single nucleotide variant.
Coding change: c.1197C>T on transcript NM_144997.7 (MANE Select); coding-DNA position 1197, C replaced by T.
Protein change: p.Cys399=; no amino-acid change (cysteine 399 retained).
Molecular consequence: synonymous variant.
Genome position (GRCh38, 1-based): chr17:17,216,483, G>A on the plus strand (C>T on the coding strand, the complement: FLCN is on the minus strand). VCF-style: chr17-17216483-G-A. GRCh37 (hg19) VCF-style: chr17-17119797-G-A.
Other names: c.1197C>T (LRG_325t1); c.1251C>T, p.Cys417= (NM_001353229.2); c.1197C>T, p.Cys399= (NM_001353230.2, NM_001353231.2).
Identifiers: ClinVar variation 415615 (VCV000415615.24), dbSNP rs750894316, ClinGen allele CA8416098.

ClinVar aggregate classification (germline): Benign/Likely benign. Review status: criteria provided, multiple submitters, no conflicts (2 of 4 stars). 4 submissions from 4 submitters: Benign (1); Likely benign (3). Last evaluated 2026-01-27.

Conditions:
Birt-Hogg-Dube syndrome 1 (BHD1). Also called: FIBROFOLLICULOMAS WITH TRICHODISCOMAS AND ACROCHORDONS. Identifiers: Orphanet 122, MedGen CN375946, MONDO:0800445, OMIM 135150.
Hereditary cancer-predisposing syndrome. Also called: Tumor predisposition; Hereditary neoplastic syndrome; Hereditary Cancer Syndrome; Neoplastic Syndromes, Hereditary. Identifiers: Orphanet 140162, MedGen C0027672, MeSH D009386, MONDO:0015356.
Birt-Hogg-Dube syndrome. Also called: Birt Hogg Dubé syndrome. Identifiers: Orphanet 122, MedGen C0346010, MONDO:0800444.

Allele frequency attached by ClinVar (database versions not stated): gnomAD exomes below 0.00001 and 0.00001; ExAC 0.00001; gnomAD 0.00001.
gnomAD v4.1: 11 of 1,613,680 alleles (0.00068%); highest among the groups gnomAD compares: Middle Eastern, 0.016%; no homozygotes.

Submissions (4):

Labcorp Genetics (formerly Invitae), Labcorp
Classification: Likely benign for Birt-Hogg-Dube syndrome. Last evaluated: 2026-01-27. Review status: criteria provided, single submitter. Criteria: Invitae Variant Classification Sherloc (09022015). Collection method: clinical testing. Allele origin: germline.

CeGaT Center for Human Genetics Tuebingen
Classification: Likely benign. Last evaluated: 2025-05-01. Review status: criteria provided, single submitter. Criteria: CeGaT Center For Human Genetics Tuebingen Variant Classification Criteria Version 2. Collection method: clinical testing. Allele origin: germline. Affected: yes. Observed: 1 variant allele.
Comment: FLCN: BP4, BP7

Myriad Genetics, Inc.
Classification: Benign for Birt-Hogg-Dube syndrome 1. Last evaluated: 2024-10-24. Review status: criteria provided, single submitter. Criteria: Myriad Autosomal Dominant, Autosomal Recessive and X-Linked Classification Criteria (2023). Collection method: clinical testing. Allele origin: unknown.
Comment: This variant is considered benign. This variant is a silent/synonymous amino acid change and it is not expected to impact splicing.

Ambry Genetics
Classification: Likely benign for Hereditary cancer-predisposing syndrome. Last evaluated: 2020-01-31. Review status: criteria provided, single submitter. Criteria: Ambry Variant Classification Scheme 2023. Collection method: clinical testing. Allele origin: germline.